The following is an entry in ClinVar:

NM_014963.3(SBNO2):c.1971G>A (p.Thr657=)

Gene: SBNO2 (strawberry notch homolog 2; minus strand). Cytogenetic location: 19p13.3.
Variant type: single nucleotide variant.
Coding change: c.1971G>A on transcript NM_014963.3 (MANE Select); coding-DNA position 1971, G replaced by A.
Protein change: p.Thr657=; no amino-acid change (threonine 657 retained).
Molecular consequence: synonymous variant.
Genome position (GRCh38, 1-based): chr19:1,114,337, C>T on the plus strand (G>A on the coding strand, the complement: SBNO2 is on the minus strand). VCF-style: chr19-1114337-C-T. GRCh37 (hg19) VCF-style: chr19-1114336-C-T.
Other names: c.1800G>A, p.Thr600= (NM_001100122.2).
Identifiers: ClinVar variation 2648901 (VCV002648901.24), dbSNP rs200891383, ClinGen allele CA304008744.

ClinVar aggregate classification (germline): Likely benign (1 of 4 stars; one submission).

gnomAD v4.1: 7 of 1,556,926 alleles (0.00045%); highest among the groups gnomAD compares: Admixed American, 0.0019%; no homozygotes.

Submission:

CeGaT Center for Human Genetics Tuebingen
Classification: Likely benign. Last evaluated: 2022-05-01. Review status: criteria provided, single submitter. Criteria: CeGaT Center For Human Genetics Tuebingen Variant Classification Criteria Version 2. Collection method: clinical testing. Allele origin: germline. Affected: yes. Observed: 1 variant allele.
Comment: SBNO2: BP4, BP7